The following is an entry in ClinVar:

NM_000407.5(GP1BB):c.112G>C (p.Asp38His)

Genes: GP1BB (glycoprotein Ib platelet subunit beta; plus strand), SEPT5-GP1BB (SEPT5-GP1BB readthrough; plus strand). Cytogenetic location: 22q11.21.
Variant type: single nucleotide variant.
Coding change: c.112G>C on transcript NM_000407.5 (MANE Select); coding-DNA position 112, G replaced by C.
Protein change: p.Asp38His; replaces aspartic acid 38 with histidine.
Molecular consequence: missense variant. On other transcripts: non-coding transcript variant (2).
Genome position (GRCh38, 1-based): chr22:19,723,955, G>C. VCF-style: chr22-19723955-G-C. GRCh37 (hg19) VCF-style: chr22-19711478-G-C.
Other names: short protein forms D38H.
Identifiers: ClinVar variation 843687 (VCV000843687.10), dbSNP rs77761572, ClinGen allele CA322079798.

ClinVar aggregate classification (germline): Uncertain significance (1 of 4 stars; one submission).

Allele frequency attached by ClinVar (database versions not stated): gnomAD exomes below 0.00001; TOPMed 0.00007; 1000 Genomes Project 30x 0.00016; 1000 Genomes Project 0.00020.
gnomAD v4.1: 9 of 1,524,002 alleles (0.00059%); highest among the groups gnomAD compares: African/African-American, 0.013%; no homozygotes.

Submission:

Labcorp Genetics (formerly Invitae), Labcorp
Classification: Uncertain significance. Last evaluated: 2019-05-09. Review status: criteria provided, single submitter. Criteria: Invitae Variant Classification Sherloc (09022015). Collection method: clinical testing. Allele origin: germline.
Comment: This sequence change replaces aspartic acid with histidine at codon 38 of the GP1BB protein (p.Asp38His). The aspartic acid residue is highly conserved and there is a moderate physicochemical difference between aspartic acid and histidine. The frequency data for this variant in the population databases is considered unreliable, as metrics indicate insufficient coverage at this position in the ExAC database. This variant has not been reported in the literature in individuals with GP1BB-related conditions. Algorithms developed to predict the effect of missense changes on protein structure and function (SIFT, PolyPhen-2, Align-GVGD) all suggest that this variant is likely to be disruptive, but these predictions have not been confirmed by published functional studies and their clinical significance is uncertain. In summary, the available evidence is currently insufficient to determine the role of this variant in disease. Therefore, it has been classified as a Variant of Uncertain Significance.